The following is an entry in ClinVar:

ClinVar aggregate classification (germline): Likely pathogenic (1 of 4 stars; one submission).

Submission:

GeneDx
Classification: Likely pathogenic. Last evaluated: 2026-03-25. Review status: criteria provided, single submitter. Criteria: GeneDx Variant Classification Process June 2021. Collection method: clinical testing. Allele origin: germline.
Comment: Occurs in the triple helical domain and replaces a glycine in a canonical Gly-X-Y repeat; missense substitution of a canonical glycine residue is expected to disrupt normal protein folding and function, and this is an established mechanism of disease (PMID: 34007986); Not observed at significant frequency in large population cohorts (gnomAD); In silico analysis supports that this missense variant has a deleterious effect on protein structure/function; Has not been previously published as pathogenic or benign to our knowledge; This variant is associated with the following publications: (PMID: 34007986)

NM_000089.4(COL1A2):c.3115G>A (p.Gly1039Ser)

Gene: COL1A2 (collagen type I alpha 2 chain; plus strand). Cytogenetic location: 7q21.3.
Variant type: single nucleotide variant.
Coding change: c.3115G>A on transcript NM_000089.4 (MANE Select); coding-DNA position 3115, G replaced by A.
Protein change: p.Gly1039Ser; replaces glycine 1039 with serine.
Molecular consequence: missense variant.
Genome position (GRCh38, 1-based): chr7:94,427,017, G>A. VCF-style: chr7-94427017-G-A. GRCh37 (hg19) VCF-style: chr7-94056329-G-A.
Other names: p.(Gly1039Ser); short protein forms G1039S.
Identifiers: ClinVar variation 4857132 (VCV004857132.1).